The following is an entry in ClinVar:

ClinVar aggregate classification (germline): Conflicting classifications of pathogenicity. Review status: criteria provided, conflicting classifications (1 of 4 stars). 5 submissions from 4 submitters: Uncertain significance (2); Likely benign (3). Last evaluated 2025-09-29.

Conditions:
Hypertrichotic osteochondrodysplasia Cantu type. Also called: Cantu Syndrome; Cantú Syndrome. Identifiers: Orphanet 1517, MedGen C0795905, MONDO:0009406, OMIM 239850.
Dilated cardiomyopathy 1O (CMD1O). Also called: CARDIOMYOPATHY, DILATED, WITH VENTRICULAR TACHYCARDIA. Identifiers: Orphanet 154, MedGen C1837839, MONDO:0012062, OMIM 608569.

Allele frequency attached by ClinVar (database versions not stated): gnomAD 0.00001; gnomAD exomes 0.00001 and 0.00005; ExAC 0.00005; TOPMed 0.00005; 1000 Genomes Project 0.00020; 1000 Genomes Project 30x 0.00031.
gnomAD v4.1: 17 of 1,611,376 alleles (0.0011%); highest among the groups gnomAD compares: East Asian, 0.033%; no homozygotes.

Submissions (5):

Labcorp Genetics (formerly Invitae), Labcorp
Classification: Likely benign for Dilated cardiomyopathy 1O. Last evaluated: 2025-09-29. Review status: criteria provided, single submitter. Criteria: Invitae Variant Classification Sherloc (09022015). Collection method: clinical testing. Allele origin: germline.

Blueprint Genetics
Classification: Likely benign. Last evaluated: 2019-01-05. Review status: criteria provided, single submitter. Criteria: ACMG Guidelines, 2015. Collection method: clinical testing. Allele origin: germline.

Illumina Laboratory Services, Illumina
Classification: Uncertain significance for Dilated cardiomyopathy 1O. Last evaluated: 2018-01-12. Review status: criteria provided, single submitter. Criteria: ICSL Variant Classification Criteria 13 December 2019. Collection method: clinical testing. Allele origin: germline.

Illumina Laboratory Services, Illumina
Classification: Uncertain significance for Hypertrichotic osteochondrodysplasia Cantu type. Last evaluated: 2018-01-12. Review status: criteria provided, single submitter. Criteria: ICSL Variant Classification Criteria 13 December 2019. Collection method: clinical testing. Allele origin: germline.

GeneDx
Classification: Likely benign. Last evaluated: 2017-11-14. Review status: criteria provided, single submitter. Criteria: GeneDx Variant Classification (06012015). Collection method: clinical testing. Allele origin: germline. Affected: yes.
Comment: This variant is considered likely benign or benign based on one or more of the following criteria: it is a conservative change, it occurs at a poorly conserved position in the protein, it is predicted to be benign by multiple in silico algorithms, and/or has population frequency not consistent with disease.

NM_020297.4(ABCC9):c.1659+10T>C

Gene: ABCC9 (ATP binding cassette subfamily C member 9; minus strand). Cytogenetic location: 12p12.1.
Variant type: single nucleotide variant.
Coding change: c.1659+10T>C on transcript NM_020297.4 (MANE Select); 10 bases into the intron after coding-DNA position 1659, T replaced by C.
Molecular consequence: intron variant.
Genome position (GRCh38, 1-based): chr12:21,895,265, A>G on the plus strand (T>C on the coding strand, the complement: ABCC9 is on the minus strand). VCF-style: chr12-21895265-A-G. GRCh37 (hg19) VCF-style: chr12-22048199-A-G.
Other names: c.1659+10T>C (NM_005691.4, NM_001377273.1); c.795+10T>C (NM_001377274.1).
Identifiers: ClinVar variation 308040 (VCV000308040.15), dbSNP rs201753781, ClinGen allele CA6481616.
Genomic context (GRCh38, chr12:21,895,265, plus strand): 5'-ATTCTTGCTCATAAATCATTTATAAACACTGACTTGGTTTCATTTCTAAAAGAGAGAAAA[A>G]GTGTCTTACAGCAAGAACAGCTGCTATGGGAATTGCTGCATTCATGAAGACTGTGGAAAG-3'